The following is an entry in ClinVar:

NM_001378615.1(CC2D2A):c.3398+9A>G

Genes: CC2D2A (coiled-coil and C2 domain containing 2A; plus strand), FBXL5 (F-box and leucine rich repeat protein 5; minus strand). Cytogenetic location: 4p15.32.
Variant type: single nucleotide variant.
Coding change: c.3398+9A>G on transcript NM_001378615.1 (MANE Select); 9 bases into the intron after coding-DNA position 3398, A replaced by G.
Molecular consequence: intron variant.
Genome position (GRCh38, 1-based): chr4:15,567,795, A>G. VCF-style: chr4-15567795-A-G. GRCh37 (hg19) VCF-style: chr4-15569418-A-G.
Other names: c.3398+9A>G (NM_001080522.2); c.3251+9A>G (NM_001378617.1).
Identifiers: ClinVar variation 1978015 (VCV001978015.6), dbSNP rs760244750, ClinGen allele CA2864156.

ClinVar aggregate classification (germline): Likely benign. Review status: criteria provided, multiple submitters, no conflicts (2 of 4 stars). 2 submissions from 2 submitters: Likely benign (2). Last evaluated 2025-02-13.

Conditions:
CC2D2A-related disorder. Also called: CC2D2A-related disorders; CC2D2A-related condition. Identifiers: MedGen CN239313.
Joubert syndrome. Also called: Familial aplasia of the vermis; JOUBERT-BOLTSHAUSER SYNDROME. Identifiers: Orphanet 475, MedGen C5979921, MONDO:0018772.
Meckel-Gruber syndrome. Also called: Dysencephalia splachnocystica; DYSENCEPHALIA SPLANCHNOCYSTICA; GRUBER SYNDROME. Identifiers: Orphanet 564, MedGen C0265215, MONDO:0018921.

Allele frequency attached by ClinVar (database versions not stated): TOPMed below 0.00001; gnomAD 0.00001; ExAC 0.00003.

Submissions (2):

PreventionGenetics, part of Exact Sciences
Classification: Likely benign for CC2D2A-related condition. Last evaluated: 2025-02-13. Review status: criteria provided, single submitter. Criteria: ACMG Guidelines, 2015. Collection method: clinical testing. Allele origin: germline.
Comment: This variant is classified as likely benign based on ACMG/AMP sequence variant interpretation guidelines (Richards et al. 2015 PMID: 25741868, with internal and published modifications).

Labcorp Genetics (formerly Invitae), Labcorp
Classification: Likely benign for Joubert syndrome; Meckel-Gruber syndrome. Last evaluated: 2024-01-09. Review status: criteria provided, single submitter. Criteria: Invitae Variant Classification Sherloc (09022015). Collection method: clinical testing. Allele origin: germline.